The following is an entry in ClinVar:

ClinVar aggregate classification (germline): Uncertain significance (1 of 4 stars; one submission).

Allele frequency attached by ClinVar (database versions not stated): gnomAD exomes below 0.00001; gnomAD 0.00002 and 0.00003.
gnomAD v4.1: 5 of 1,613,958 alleles (0.00031%); highest among the groups gnomAD compares: Non-Finnish European, 0.00042%; no homozygotes.

Submission:

GeneDx
Classification: Uncertain significance. Last evaluated: 2022-11-10. Review status: criteria provided, single submitter. Criteria: GeneDx Variant Classification Process June 2021. Collection method: clinical testing. Allele origin: germline. Affected: yes.
Comment: Not observed at significant frequency in large population cohorts (gnomAD); In silico analysis supports that this missense variant has a deleterious effect on protein structure/function; Has not been previously published as pathogenic or benign to our knowledge

NM_020937.4(FANCM):c.92G>T (p.Arg31Leu)

Genes: FANCM (FA complementation group M; plus strand), LOC130055524 (ATAC-STARR-seq lymphoblastoid active region 8299; plus strand). Cytogenetic location: 14q21.2.
Variant type: single nucleotide variant.
Coding change: c.92G>T on transcript NM_020937.4 (MANE Select); coding-DNA position 92, G replaced by T.
Protein change: p.Arg31Leu; replaces arginine 31 with leucine.
Molecular consequence: missense variant.
Genome position (GRCh38, 1-based): chr14:45,136,123, G>T. VCF-style: chr14-45136123-G-T. GRCh37 (hg19) VCF-style: chr14-45605326-G-T.
Other names: c.92G>T, p.Arg31Leu (NM_001308133.2, NM_001308134.2); short protein forms R31L.
Identifiers: ClinVar variation 2501875 (VCV002501875.1), dbSNP rs886050496, ClinGen allele CA10645348.